The following is an entry in ClinVar:

ClinVar aggregate classification (germline): Uncertain significance (1 of 4 stars; one submission).

Conditions:
Polycystic liver disease 3 with or without kidney cysts. Identifiers: MedGen C4693472, MONDO:0054743, OMIM 617874.

gnomAD v4.1: 5 of 1,614,014 alleles (0.00031%); highest among the groups gnomAD compares: Non-Finnish European, 0.00042%; no homozygotes.

Submission:

MVZ Medizinische Genetik Mainz
Classification: Uncertain significance for Polycystic liver disease 3 with or without kidney cysts. Last evaluated: 2026-02-04. Review status: criteria provided, single submitter. Criteria: UK Practice Guidelines For Variant Classification V4 01 2020. Collection method: clinical testing. Allele origin: germline. Inheritance: Autosomal dominant inheritance. Affected: yes. Observed: 1 variant allele.
Comment: ACMG Criteria: PP3_STR,PM2_SUP

NM_024079.5(ALG8):c.806T>C (p.Leu269Pro)

Gene: ALG8 (ALG8 alpha-1,3-glucosyltransferase; minus strand). Cytogenetic location: 11q14.1.
Variant type: single nucleotide variant.
Coding change: c.806T>C on transcript NM_024079.5 (MANE Select); coding-DNA position 806, T replaced by C.
Protein change: p.Leu269Pro; replaces leucine 269 with proline.
Molecular consequence: missense variant. On other transcripts: non-coding transcript variant (2), intron variant (2), synonymous variant (1).
Genome position (GRCh38, 1-based): chr11:78,112,742, A>G on the plus strand (T>C on the coding strand, the complement: ALG8 is on the minus strand). VCF-style: chr11-78112742-A-G. GRCh37 (hg19) VCF-style: chr11-77823788-A-G.
Other names: c.806T>C, p.Leu269Pro (NM_001425243.1, NM_001007027.3, NM_001425221.1 and 8 more transcripts); c.547-5796T>C (NM_001425240.1); c.777+1144T>C (NM_001425233.1); c.809T>C, p.Leu270Pro (NM_001425219.1); c.791T>C, p.Leu264Pro (NM_001425220.1); c.800T>C, p.Leu267Pro (NM_001425223.1); c.899T>C, p.Leu300Pro (NM_001425224.1); c.653T>C, p.Leu218Pro (NM_001425226.1, NM_001425235.1, NM_001425236.1); and 5 more; short protein forms L181P, L202P, L218P, L264P, L267P, L269P, L270P, L300P.
Identifiers: ClinVar variation 4796775 (VCV004796775.1).